The following is an entry in ClinVar:

NM_198999.3(SLC26A5):c.989A>G (p.Asn330Ser)

Gene: SLC26A5 (solute carrier family 26 member 5; minus strand). Cytogenetic location: 7q22.1.
Variant type: single nucleotide variant.
Coding change: c.989A>G on transcript NM_198999.3 (MANE Select); coding-DNA position 989, A replaced by G.
Protein change: p.Asn330Ser; replaces asparagine 330 with serine.
Molecular consequence: missense variant. On other transcripts: non-coding transcript variant (3), intron variant (1).
Genome position (GRCh38, 1-based): chr7:103,393,049, T>C on the plus strand (A>G on the coding strand, the complement: SLC26A5 is on the minus strand). VCF-style: chr7-103393049-T-C. GRCh37 (hg19) VCF-style: chr7-103033496-T-C.
Other names: c.989A>G, p.Asn330Ser (NM_001167962.2, NM_001321787.2, NM_206883.3 and 1 more transcripts); c.971+4883A>G (NM_206885.3); short protein forms N330S.
Identifiers: ClinVar variation 48341 (VCV000048341.19), dbSNP rs117444825, ClinGen allele CA143211.

ClinVar aggregate classification (germline): Benign. Review status: criteria provided, multiple submitters, no conflicts (2 of 4 stars). 8 submissions from 8 submitters: Benign (8). Last evaluated 2026-01-19.

Conditions:
Autosomal recessive nonsyndromic hearing loss 61. Identifiers: Orphanet 90636, MedGen C3151230, MONDO:0013471, OMIM 613865.

Allele frequency attached by ClinVar (database versions not stated): 1000 Genomes Project 30x 0.00390; 1000 Genomes Project 0.00399; TOPMed 0.00894; gnomAD 0.00944 and 0.00990; gnomAD exomes 0.00978 and 0.01705; ExAC 0.01084; ESP Exome Variant Server 0.01238.
gnomAD v4.1: 26,082 of 1,613,928 alleles (1.6%); highest among the groups gnomAD compares: Non-Finnish European, 2.1%; 262 homozygotes.

Submissions (8):

Labcorp Genetics (formerly Invitae), Labcorp
Classification: Benign. Last evaluated: 2026-01-19. Review status: criteria provided, single submitter. Criteria: Invitae Variant Classification Sherloc (09022015). Collection method: clinical testing. Allele origin: germline.

Fulgent Genetics
Classification: Benign for Autosomal recessive nonsyndromic hearing loss 61. Last evaluated: 2021-08-20. Review status: criteria provided, single submitter. Criteria: ACMG Guidelines, 2015. Collection method: clinical testing. Allele origin: unknown.

Mayo Clinic Laboratories, Mayo Clinic
Classification: Benign. Last evaluated: 2021-04-15. Review status: criteria provided, single submitter. Criteria: ACMG Guidelines, 2015. Collection method: clinical testing. Allele origin: germline. Observed: 8 variant alleles.

Athena Diagnostics
Classification: Benign. Last evaluated: 2019-03-13. Review status: criteria provided, single submitter. Criteria: Athena Diagnostics Criteria. Collection method: clinical testing. Allele origin: germline.

GeneDx
Classification: Benign. Last evaluated: 2018-04-20. Review status: criteria provided, single submitter. Criteria: GeneDx Variant Classification Process June 2021. Collection method: clinical testing. Allele origin: germline. Affected: yes.

Laboratory for Molecular Medicine, Mass General Brigham Personalized Medicine
Classification: Benign. Last evaluated: 2012-05-07. Review status: criteria provided, single submitter. Criteria: LMM Criteria. Collection method: clinical testing. Allele origin: germline. Observed: 5 variant alleles.
Comment: Asn330Ser in Exon 10 of SLC26A5: This variant is not expected to have clinical s ignificance because it has been identified in 1.7% (121/7020) of European Americ an chromosomes from a broad population by the NHLBI Exome Sequencing Project (dbSNP rs117444825).

Breakthrough Genomics
Classification: Benign. Review status: criteria provided, single submitter. Criteria: ACMG Guidelines, 2015. Collection method: not provided. Allele origin: germline. Inheritance: Autosomal recessive inheritance. Affected: yes.

PreventionGenetics, part of Exact Sciences
Classification: Benign. Review status: criteria provided, single submitter. Criteria: ACMG Guidelines, 2015. Collection method: clinical testing. Allele origin: germline.